The following is an entry in ClinVar:

ClinVar aggregate classification (germline): Conflicting classifications of pathogenicity. Review status: criteria provided, conflicting classifications (1 of 4 stars). 2 submissions from 2 submitters: Uncertain significance (1); Likely benign (1). Last evaluated 2025-11-01.

gnomAD v4.1: 6 of 1,551,826 alleles (0.00039%); highest among the groups gnomAD compares: Non-Finnish European, 0.00053%; no homozygotes.

Submissions (2):

Labcorp Genetics (formerly Invitae), Labcorp
Classification: Uncertain significance. Last evaluated: 2025-11-01. Review status: criteria provided, single submitter. Criteria: Invitae Variant Classification Sherloc (09022015). Collection method: clinical testing. Allele origin: germline.
Comment: This sequence change falls in intron 7 of the RERE gene. It does not directly change the encoded amino acid sequence of the RERE protein. It affects a nucleotide within the consensus splice site. This variant is present in population databases (rs769649739, gnomAD 0.0009%). This variant has not been reported in the literature in individuals affected with RERE-related conditions. Variants that disrupt the consensus splice site are a relatively common cause of aberrant splicing (PMID: 17576681, 9536098). Algorithms developed to predict the effect of sequence changes on RNA splicing suggest that this variant is not likely to affect RNA splicing. In summary, the available evidence is currently insufficient to determine the role of this variant in disease. Therefore, it has been classified as a Variant of Uncertain Significance.

Blueprint Genetics
Classification: Likely benign. Last evaluated: 2023-04-11. Review status: criteria provided, single submitter. Criteria: ACMG Guidelines, 2015. Collection method: clinical testing. Allele origin: germline.

Literature cited by the submitters: PubMed 17576681 (cited by Labcorp Genetics (formerly Invitae), Labcorp); PubMed 9536098 (cited by Labcorp Genetics (formerly Invitae), Labcorp).

NM_001042681.2(RERE):c.725+6T>G

Gene: RERE (arginine-glutamic acid dipeptide repeats; minus strand). Cytogenetic location: 1p36.23.
Variant type: single nucleotide variant.
Coding change: c.725+6T>G on transcript NM_001042681.2 (MANE Select); 6 bases into the intron after coding-DNA position 725, T replaced by G.
Molecular consequence: intron variant.
Genome position (GRCh38, 1-based): chr1:8,556,469, A>C on the plus strand (T>G on the coding strand, the complement: RERE is on the minus strand). VCF-style: chr1-8556469-A-C. GRCh37 (hg19) VCF-style: chr1-8616528-A-C.
Other names: c.725+6T>G (NM_012102.4).
Identifiers: ClinVar variation 4762724 (VCV004762724.2).
Genomic context (GRCh38, chr1:8,556,469, plus strand): 5'-TTACTCTCCACCTCCTGCACTCAGTGACTCCTCCTTCACATGGAAGAGCACGTCTCCAGT[A>C]CTTACCTAAGGGCAGCAGCATGGTAAGTGTCAACGTAATCAGAAATGAAGAGCTCTCGGT-3'